The following is an entry in ClinVar:

ClinVar aggregate classification (germline): Likely pathogenic (1 of 4 stars; one submission).

Conditions:
EGFR-related lung cancer (EGFR). Identifiers: MedGen CN130014.

Submission:

Labcorp Genetics (formerly Invitae), Labcorp
Classification: Likely pathogenic for EGFR-related lung cancer. Last evaluated: 2024-11-05. Review status: criteria provided, single submitter. Criteria: Invitae Variant Classification Sherloc (09022015). Collection method: clinical testing. Allele origin: germline.
Comment: This sequence change affects a donor splice site in intron 17 of the EGFR gene. It is expected to disrupt RNA splicing. Variants that disrupt the donor or acceptor splice site typically lead to a loss of protein function (PMID: 16199547), and loss-of-function variants in EGFR are known to be pathogenic (PMID: 7630400, 28726809, 29899996). This variant is not present in population databases (gnomAD no frequency). This variant has not been reported in the literature in individuals affected with EGFR-related conditions. Algorithms developed to predict the effect of sequence changes on RNA splicing suggest that this variant may disrupt the consensus splice site. In summary, the currently available evidence indicates that the variant is pathogenic, but additional data are needed to prove that conclusively. Therefore, this variant has been classified as Likely Pathogenic.

Literature cited by the submitters: PubMed 16199547; PubMed 7630400; PubMed 28726809; PubMed 29899996.

NM_005228.5(EGFR):c.2061+2T>A

Gene: EGFR (epidermal growth factor receptor; plus strand). Cytogenetic location: 7p11.2.
Variant type: single nucleotide variant.
Coding change: c.2061+2T>A on transcript NM_005228.5 (MANE Select); the canonical splice donor site of the intron after coding-DNA position 2061, T replaced by A.
Molecular consequence: splice donor variant.
Genome position (GRCh38, 1-based): chr7:55,173,126, T>A. VCF-style: chr7-55173126-T-A. GRCh37 (hg19) VCF-style: chr7-55240819-T-A.
Other names: c.1926+2T>A (NM_001346899.2, NM_001346897.2); c.1260+2T>A (NM_001346941.2); c.2061+2T>A (NM_001346898.2); c.1902+2T>A (NM_001346900.2).
Identifiers: ClinVar variation 3724696 (VCV003724696.2).